The following is an entry in ClinVar:

ClinVar aggregate classification (germline): Uncertain significance (1 of 4 stars; one submission).

Conditions:
Cohen syndrome (COH1). Also called: Cutis verticis gyrata, retinitis pigmentosa, and sensorineural deafness; PEPPER SYNDROME. Identifiers: Orphanet 193, MedGen C0265223, MONDO:0008999, OMIM 216550.

Submission:

Labcorp Genetics (formerly Invitae), Labcorp
Classification: Uncertain significance for Cohen syndrome. Last evaluated: 2022-08-20. Review status: criteria provided, single submitter. Criteria: Invitae Variant Classification Sherloc (09022015). Collection method: clinical testing. Allele origin: germline.
Comment: In summary, the available evidence is currently insufficient to determine the role of this variant in disease. Therefore, it has been classified as a Variant of Uncertain Significance. Algorithms developed to predict the effect of missense changes on protein structure and function are either unavailable or do not agree on the potential impact of this missense change (SIFT: "Not Available"; PolyPhen-2: "Possibly Damaging"; Align-GVGD: "Not Available"). This variant has not been reported in the literature in individuals affected with VPS13B-related conditions. This variant is not present in population databases (gnomAD no frequency). This sequence change replaces asparagine, which is neutral and polar, with tyrosine, which is neutral and polar, at codon 506 of the VPS13B protein (p.Asn506Tyr).

NM_152564.5(VPS13B):c.1516A>T (p.Asn506Tyr)

Gene: VPS13B (vacuolar protein sorting 13 homolog B; plus strand). Cytogenetic location: 8q22.2.
Variant type: single nucleotide variant.
Coding change: c.1516A>T on transcript NM_152564.5 (MANE Select); coding-DNA position 1516, A replaced by T.
Protein change: p.Asn506Tyr; replaces asparagine 506 with tyrosine.
Molecular consequence: missense variant.
Genome position (GRCh38, 1-based): chr8:99,135,686, A>T. VCF-style: chr8-99135686-A-T. GRCh37 (hg19) VCF-style: chr8-100147914-A-T.
Other names: c.1516A>T, p.Asn506Tyr (NM_015243.3, NM_017890.5); short protein forms N506Y.
Identifiers: ClinVar variation 2100866 (VCV002100866.4), dbSNP rs777538355, ClinGen allele CA371863297.